The following is an entry in ClinVar:

NM_021625.5(TRPV4):c.1039G>C (p.Asp347His)

Gene: TRPV4 (transient receptor potential cation channel subfamily V member 4; minus strand). Cytogenetic location: 12q24.11.
Variant type: single nucleotide variant.
Coding change: c.1039G>C on transcript NM_021625.5 (MANE Select); coding-DNA position 1039, G replaced by C.
Protein change: p.Asp347His; replaces aspartic acid 347 with histidine.
Molecular consequence: missense variant.
Genome position (GRCh38, 1-based): chr12:109,798,727, C>G on the plus strand (G>C on the coding strand, the complement: TRPV4 is on the minus strand). VCF-style: chr12-109798727-C-G. GRCh37 (hg19) VCF-style: chr12-110236532-C-G.
Other names: c.898G>C, p.Asp300His (NM_001177428.2, NM_001177433.2); c.937G>C, p.Asp313His (NM_001177431.2); c.1039G>C, p.Asp347His (NM_147204.3); short protein forms D347H, D313H, D300H.
Identifiers: ClinVar variation 520602 (VCV000520602.22), dbSNP rs1006063188, ClinGen allele CA386654413.

ClinVar aggregate classification (germline): Uncertain significance. Review status: criteria provided, multiple submitters, no conflicts (2 of 4 stars). 3 submissions from 3 submitters: Uncertain significance (3). Last evaluated 2024-08-01.

Conditions:
Inborn genetic diseases. Identifiers: MedGen C0950123, MeSH D030342.

Allele frequency attached by ClinVar (database versions not stated): TOPMed 0.00001.
gnomAD v4.1: 7 of 1,614,102 alleles (0.00043%); highest among the groups gnomAD compares: Non-Finnish European, 0.00059%; no homozygotes.

Submissions (3):

CeGaT Center for Human Genetics Tuebingen
Classification: Uncertain significance. Last evaluated: 2024-08-01. Review status: criteria provided, single submitter. Criteria: CeGaT Center For Human Genetics Tuebingen Variant Classification Criteria Version 2. Collection method: clinical testing. Allele origin: germline. Affected: yes. Observed: 1 variant allele.

GeneDx
Classification: Uncertain significance. Last evaluated: 2019-06-20. Review status: criteria provided, single submitter. Criteria: GeneDx Variant Classification Process June 2021. Collection method: clinical testing. Allele origin: germline. Affected: yes.
Comment: Not observed in large population cohorts (Lek et al., 2016); In silico analysis, which includes protein predictors and evolutionary conservation, supports a deleterious effect; Has not been previously published as pathogenic or benign to our knowledge

Ambry Genetics
Classification: Uncertain significance for Inborn genetic diseases. Last evaluated: 2015-02-02. Review status: criteria provided, single submitter. Criteria: Ambry exome assertion method (8-5-2015). Collection method: clinical testing. Allele origin: germline. Affected: yes. Observed: 1 variant allele.

Literature cited by the submitters: PubMed 15152081 (cited by Ambry Genetics).